The following is an entry in ClinVar:

ClinVar aggregate classification (germline): Uncertain significance (1 of 4 stars; one submission).

Conditions:
Cardiovascular phenotype. Identifiers: MedGen CN230736.

Allele frequency attached by ClinVar (database versions not stated): gnomAD exomes below 0.00001.
gnomAD v4.1: 1 of 1,614,140 alleles (0.000062%); highest among the groups gnomAD compares: African/African-American, 0.0013%; no homozygotes.

Submission:

Ambry Genetics
Classification: Uncertain significance for Cardiovascular phenotype. Last evaluated: 2020-04-20. Review status: criteria provided, single submitter. Criteria: Ambry Variant Classification Scheme 2023. Collection method: clinical testing. Allele origin: germline.
Comment: The p.L161S variant (also known as c.482T>C), located in coding exon 3 of the TTN gene, results from a T to C substitution at nucleotide position 482. The leucine at codon 161 is replaced by serine, an amino acid with dissimilar properties. This amino acid position is highly conserved in available vertebrate species. In addition, this alteration is predicted to be deleterious by in silico analysis. Since supporting evidence is limited at this time, the clinical significance of this alteration remains unclear.

NM_001267550.2(TTN):c.482T>C (p.Leu161Ser)

Gene: TTN (titin; minus strand). Cytogenetic location: 2q31.2.
Variant type: single nucleotide variant.
Coding change: c.482T>C on transcript NM_001267550.2 (MANE Select); coding-DNA position 482, T replaced by C.
Protein change: p.Leu161Ser; replaces leucine 161 with serine.
Molecular consequence: missense variant.
Genome position (GRCh38, 1-based): chr2:178,800,496, A>G on the plus strand (T>C on the coding strand, the complement: TTN is on the minus strand). VCF-style: chr2-178800496-A-G. GRCh37 (hg19) VCF-style: chr2-179665223-A-G.
Other names: c.482T>C, p.Leu161Ser (NM_001256850.1, NM_003319.4, NM_133378.4 and 3 more transcripts); short protein forms L161S.
Identifiers: ClinVar variation 1743425 (VCV001743425.2), dbSNP rs2534365449, ClinGen allele CA349527407.
Genomic context (GRCh38, chr2:178,800,496, plus strand): 5'-CTATTGGTGGCATTTACTGAATAGGTCCCTGAGTCCTCAGGGTATGCTTCTGCAATCAGT[A>G]AGCTGTAGAGGTCGCCTTCTTGTGAAATTTGGAAATCAAGGGAGCTCTGGATTTCGGCTC-3'
Protein context (NP_001254479.2, residues 151-171): QISQEGDLYS[Leu161Ser]LIAEAYPEDS